The following is an entry in ClinVar:

NM_021072.4(HCN1):c.2353C>T (p.Pro785Ser)

Gene: HCN1 (hyperpolarization activated cyclic nucleotide gated potassium channel 1; minus strand). Cytogenetic location: 5p12.
Variant type: single nucleotide variant.
Coding change: c.2353C>T on transcript NM_021072.4 (MANE Select); coding-DNA position 2353, C replaced by T.
Protein change: p.Pro785Ser; replaces proline 785 with serine.
Molecular consequence: missense variant.
Genome position (GRCh38, 1-based): chr5:45,262,241, G>A on the plus strand (C>T on the coding strand, the complement: HCN1 is on the minus strand). VCF-style: chr5-45262241-G-A. GRCh37 (hg19) VCF-style: chr5-45262343-G-A.
Other names: short protein forms P785S.
Identifiers: ClinVar variation 645656 (VCV000645656.34), dbSNP rs778039525, ClinGen allele CA3259124.

ClinVar aggregate classification (germline): Conflicting classifications of pathogenicity. Review status: criteria provided, conflicting classifications (1 of 4 stars). 3 submissions from 3 submitters: Uncertain significance (2); Likely benign (1). Last evaluated 2023-12-01.

Conditions:
Early-infantile DEE. Also called: Early infantile epileptic encephalopathy; Early infantile epileptic encephalopathy with suppression bursts; Ohtahara syndrome. Identifiers: Orphanet 1934, MedGen C0393706, MONDO:0800491.
HCN1-related disorder. Also called: HCN1-related condition; HCN1-related disorders.

Allele frequency attached by ClinVar (database versions not stated): gnomAD exomes below 0.00001; ExAC 0.00001; gnomAD 0.00001.
gnomAD v4.1: 8 of 1,613,908 alleles (0.0005%); highest among the groups gnomAD compares: South Asian, 0.0011%; no homozygotes.

Submissions (3):

CeGaT Center for Human Genetics Tuebingen
Classification: Uncertain significance. Last evaluated: 2023-12-01. Review status: criteria provided, single submitter. Criteria: CeGaT Center For Human Genetics Tuebingen Variant Classification Criteria Version 2. Collection method: clinical testing. Allele origin: germline. Affected: yes. Observed: 1 variant allele.
Comment: HCN1: PM2, BP4

PreventionGenetics, part of Exact Sciences
Classification: Uncertain significance for HCN1-related condition. Last evaluated: 2023-05-06. Review status: criteria provided, single submitter. Criteria: ACMG Guidelines, 2015. Collection method: clinical testing. Allele origin: germline.
Comment: The HCN1 c.2353C>T variant is predicted to result in the amino acid substitution p.Pro785Ser. To our knowledge, this variant has not been reported in the literature. This variant is reported in 1 of ~251,000 alleles in gnomAD. At this time, the clinical significance of this variant is uncertain due to the absence of conclusive functional and genetic evidence.

Labcorp Genetics (formerly Invitae), Labcorp
Classification: Likely benign for Early-infantile DEE. Last evaluated: 2022-10-12. Review status: criteria provided, single submitter. Criteria: Invitae Variant Classification Sherloc (09022015). Collection method: clinical testing. Allele origin: germline.